The following is an entry in ClinVar:

NM_001012720.2(RGR):c.425G>A (p.Trp142Ter)

Gene: RGR (retinal G protein coupled receptor; plus strand). Cytogenetic location: 10q23.1.
Variant type: single nucleotide variant.
Coding change: c.425G>A on transcript NM_001012720.2 (MANE Select); coding-DNA position 425, G replaced by A.
Protein change: p.Trp142Ter; replaces tryptophan 142 with a stop codon.
Molecular consequence: nonsense.
Genome position (GRCh38, 1-based): chr10:84,252,923, G>A. VCF-style: chr10-84252923-G-A. GRCh37 (hg19) VCF-style: chr10-86012679-G-A.
Other names: c.425G>A, p.Trp142Ter (NM_001012722.2); c.437G>A, p.Trp146Ter (NM_002921.4); short protein forms W146*, W142*.
Identifiers: ClinVar variation 2966582 (VCV002966582.4), dbSNP rs776445082, ClinGen allele CA5581436.

ClinVar aggregate classification (germline): Uncertain significance. Review status: criteria provided, multiple submitters, no conflicts (2 of 4 stars). 2 submissions from 2 submitters: Uncertain significance (2). Last evaluated 2024-08-28.

Allele frequency attached by ClinVar (database versions not stated): ExAC 0.00001.

Submissions (2):

Labcorp Genetics (formerly Invitae), Labcorp
Classification: Uncertain significance. Last evaluated: 2024-08-28. Review status: criteria provided, single submitter. Criteria: Invitae Variant Classification Sherloc (09022015). Collection method: clinical testing. Allele origin: germline.
Comment: This sequence change creates a premature translational stop signal (p.Trp142*) in the RGR gene. It is expected to result in an absent or disrupted protein product. However, the current clinical and genetic evidence is not sufficient to establish whether loss-of-function variants in RGR cause disease. This variant is present in population databases (rs776445082, gnomAD 0.003%). This variant has not been reported in the literature in individuals affected with RGR-related conditions. In summary, the available evidence is currently insufficient to determine the role of this variant in disease. Therefore, it has been classified as a Variant of Uncertain Significance.

Blueprint Genetics
Classification: Uncertain significance. Last evaluated: 2023-09-13. Review status: criteria provided, single submitter. Criteria: ACMG Guidelines, 2015. Collection method: clinical testing. Allele origin: germline.